The following is an entry in ClinVar:

ClinVar aggregate classification (germline): Conflicting classifications of pathogenicity. Review status: criteria provided, conflicting classifications (1 of 4 stars). 3 submissions from 3 submitters: Uncertain significance (2); Likely benign (1). Last evaluated 2026-01-16.

Conditions:
Inborn genetic diseases. Identifiers: MedGen C0950123, MeSH D030342.

Allele frequency attached by ClinVar (database versions not stated): gnomAD exomes 0.00021; ExAC 0.00061; gnomAD 0.00124; ESP Exome Variant Server 0.00161; 1000 Genomes Project 30x 0.00250; 1000 Genomes Project 0.00260.
gnomAD v4.1: 494 of 1,597,288 alleles (0.031%); highest among the groups gnomAD compares: African/African-American, 0.38%; 1 homozygote.

Submissions (3):

Labcorp Genetics (formerly Invitae), Labcorp
Classification: Likely benign. Last evaluated: 2026-01-16. Review status: criteria provided, single submitter. Criteria: Invitae Variant Classification Sherloc (09022015). Collection method: clinical testing. Allele origin: germline.

GeneDx
Classification: Uncertain significance. Last evaluated: 2022-11-15. Review status: criteria provided, single submitter. Criteria: GeneDx Variant Classification Process June 2021. Collection method: clinical testing. Allele origin: germline. Affected: yes.
Comment: Has not been previously published as pathogenic or benign to our knowledge; In silico analysis supports that this missense variant does not alter protein structure/function

Ambry Genetics
Classification: Uncertain significance for Inborn genetic diseases. Last evaluated: 2021-06-18. Review status: criteria provided, single submitter. Criteria: Ambry Variant Classification Scheme 2023. Collection method: clinical testing. Allele origin: germline.

NM_148897.3(SDR9C7):c.718C>T (p.Arg240Cys)

Gene: SDR9C7 (short chain dehydrogenase/reductase family 9C member 7; minus strand). Cytogenetic location: 12q13.3.
Variant type: single nucleotide variant.
Coding change: c.718C>T on transcript NM_148897.3 (MANE Select); coding-DNA position 718, C replaced by T.
Protein change: p.Arg240Cys; replaces arginine 240 with cysteine.
Molecular consequence: missense variant.
Genome position (GRCh38, 1-based): chr12:56,929,396, G>A on the plus strand (C>T on the coding strand, the complement: SDR9C7 is on the minus strand). VCF-style: chr12-56929396-G-A. GRCh37 (hg19) VCF-style: chr12-57323180-G-A.
Other names: short protein forms R240C.
Identifiers: ClinVar variation 1800780 (VCV001800780.7), dbSNP rs139870455, ClinGen allele CA6638077.